The following is an entry in ClinVar:

ClinVar aggregate classification (germline): Pathogenic. Review status: criteria provided, multiple submitters, no conflicts (2 of 4 stars). 2 submissions from 2 submitters: Pathogenic (2). Last evaluated 2026-02-18.

Conditions:
KBG syndrome (KBGS). Also called: ANKRD11-Related KBG Syndrome. Identifiers: Orphanet 2332, MedGen C0220687, MONDO:0007846, OMIM 148050.

Submissions (2):

GeneDx
Classification: Pathogenic. Last evaluated: 2026-02-18. Review status: criteria provided, single submitter. Criteria: GeneDx Variant Classification Process June 2021. Collection method: clinical testing. Allele origin: germline.
Comment: Frameshift variant predicted to result in protein truncation or nonsense mediated decay in a gene for which loss of function is a known mechanism of disease; Not observed at significant frequency in large population cohorts (gnomAD); This variant is associated with the following publications: (PMID: 37589029, 26269249, 35833929, 25424714)

Labcorp Genetics (formerly Invitae), Labcorp
Classification: Pathogenic for KBG syndrome. Last evaluated: 2023-12-02. Review status: criteria provided, single submitter. Criteria: Invitae Variant Classification Sherloc (09022015). Collection method: clinical testing. Allele origin: germline.
Comment: This sequence change creates a premature translational stop signal (p.Ile1042Trpfs*275) in the ANKRD11 gene. It is expected to result in an absent or disrupted protein product. Loss-of-function variants in ANKRD11 are known to be pathogenic (PMID: 21782149, 25125236, 25413698, 25652421). This variant is not present in population databases (gnomAD no frequency). This premature translational stop signal has been observed in individual(s) with KBG syndrome (PMID: 35833929). For these reasons, this variant has been classified as Pathogenic.

Literature cited by the submitters: PubMed 21782149 (cited by Labcorp Genetics (formerly Invitae), Labcorp); PubMed 25125236 (cited by Labcorp Genetics (formerly Invitae), Labcorp); PubMed 25413698 (cited by Labcorp Genetics (formerly Invitae), Labcorp); PubMed 25652421 (cited by Labcorp Genetics (formerly Invitae), Labcorp); PubMed 35833929 (cited by Labcorp Genetics (formerly Invitae), Labcorp).

NM_013275.6(ANKRD11):c.3123_3126del (p.Ile1042fs)

Gene: ANKRD11 (ankyrin repeat domain 11; minus strand). Cytogenetic location: 16q24.3.
Variant type: Microsatellite.
Coding change: c.3123_3126del on transcript NM_013275.6 (MANE Select); coding-DNA positions 3123 to 3126, 4 bases deleted (AATC; older notation c.3123_3126delAATC).
Protein change: p.Ile1042fs; shifts the reading frame from isoleucine 1042.
Molecular consequence: frameshift variant.
Genome position (GRCh38, 1-based): chr16:89,283,416-89,283,419, GATT deleted on the plus strand (AATC on the coding strand, the reverse complement: ANKRD11 is on the minus strand); deleting any 4 consecutive bases within chr16:89,283,416-89,283,423 gives the same sequence; the c. name uses the placement nearest the transcript's 3' end. VCF-style (leftmost placement, unchanged base first): chr16-89283415-GGATT-G. GRCh37 (hg19) VCF-style: chr16-89349823-GGATT-G.
Other names: c.3123_3126del (NM_013275.5); c.3123_3126del, p.Ile1042fs (NM_001256182.2, NM_001256183.2); short protein forms I1042fs.
Identifiers: ClinVar variation 2736383 (VCV002736383.4), dbSNP rs2544238629, ClinGen allele CA2695223960.